The following is an entry in ClinVar:

NM_018055.5(NODAL):c.545C>T (p.Pro182Leu)

Gene: NODAL (nodal growth differentiation factor; minus strand). Cytogenetic location: 10q22.1.
Variant type: single nucleotide variant.
Coding change: c.545C>T on transcript NM_018055.5 (MANE Select); coding-DNA position 545, C replaced by T.
Protein change: p.Pro182Leu; replaces proline 182 with leucine.
Molecular consequence: missense variant.
Genome position (GRCh38, 1-based): chr10:70,435,632, G>A on the plus strand (C>T on the coding strand, the complement: NODAL is on the minus strand). VCF-style: chr10-70435632-G-A. GRCh37 (hg19) VCF-style: chr10-72195388-G-A.
Other names: c.545C>T (NM_018055.4); c.146C>T, p.Pro49Leu (NM_001329906.2); short protein forms P182L, P49L.
Identifiers: ClinVar variation 1135302 (VCV001135302.10), dbSNP rs143239895, ClinGen allele CA5537585.

ClinVar aggregate classification (germline): Likely benign. Review status: criteria provided, multiple submitters, no conflicts (2 of 4 stars). 2 submissions from 2 submitters: Likely benign (2). Last evaluated 2025-12-29.

Conditions:
Heterotaxy, visceral, 5, autosomal (HTX5). Also called: Heterotaxy, visceral, 5. Identifiers: Orphanet 450, MedGen C3495537, MONDO:0700112, OMIM 270100.
NODAL-related disorder. Also called: NODAL-related disorders; NODAL-related condition. Identifiers: MedGen CN239298.

Allele frequency attached by ClinVar (database versions not stated): gnomAD exomes 0.00007 and 0.00019; ExAC 0.00020; gnomAD 0.00072 and 0.00076; TOPMed 0.00082; ESP Exome Variant Server 0.00085; 1000 Genomes Project 0.00160; 1000 Genomes Project 30x 0.00203.
gnomAD v4.1: 209 of 1,613,964 alleles (0.013%); highest among the groups gnomAD compares: African/African-American, 0.23%; 1 homozygote.

Submissions (2):

Labcorp Genetics (formerly Invitae), Labcorp
Classification: Likely benign for Heterotaxy, visceral, 5, autosomal. Last evaluated: 2025-12-29. Review status: criteria provided, single submitter. Criteria: Invitae Variant Classification Sherloc (09022015). Collection method: clinical testing. Allele origin: germline.

PreventionGenetics, part of Exact Sciences
Classification: Likely benign for NODAL-related condition. Last evaluated: 2025-07-30. Review status: criteria provided, single submitter. Criteria: ACMG Guidelines, 2015. Collection method: clinical testing. Allele origin: germline.
Comment: This variant is classified as likely benign based on ACMG/AMP sequence variant interpretation guidelines (Richards et al. 2015 PMID: 25741868, with internal and published modifications).